The following is an entry in ClinVar:

NM_206933.4(USH2A):c.2416_2417insT (p.Thr806fs)

Genes: USH2A (usherin; minus strand), LOC122152296 (Sharpr-MPRA regulatory region 8762; plus strand). Cytogenetic location: 1q41.
Variant type: Insertion.
Coding change: c.2416_2417insT on transcript NM_206933.4 (MANE Select); coding-DNA positions 2416 to 2417, T inserted.
Protein change: p.Thr806fs; shifts the reading frame from threonine 806.
Molecular consequence: frameshift variant.
Genome position: GRCh38 VCF-style: chr1-216246977-G-GA. GRCh37 (hg19) VCF-style: chr1-216420319-G-GA.
Other names: c.2416_2417insT, p.Thr806fs (NM_007123.6); short protein forms T806fs.
Identifiers: ClinVar variation 1724619 (VCV001724619.2), dbSNP rs2528162873, ClinGen allele CA2580062135.

ClinVar aggregate classification (germline): Likely pathogenic (1 of 4 stars; one submission).

Conditions:
Usher syndrome type 2A. Also called: RETINAL DISEASE IN USHER SYNDROME TYPE IIA, MODIFIER OF; USHER SYNDROME, TYPE IIA. Identifiers: Orphanet 231178, Orphanet 886, MedGen C1848634, MONDO:0010169, OMIM 276901.

Submission:

Myriad Genetics, Inc.
Classification: Likely pathogenic for Usher syndrome type 2A. Last evaluated: 2022-02-22. Review status: criteria provided, single submitter. Criteria: Myriad Women's Health Autosomal Recessive and X-Linked Classification Criteria (2021). Collection method: clinical testing. Allele origin: unknown.
Comment: NM_206933.2(USH2A):c.2416_2417insT(T806Ifs*4) is expected to be pathogenic in the context of USH2A-related disorders. This variant is predicted to lead to an abnormal or absent protein product due to the creation of a premature termination codon in USH2A, a gene where loss-of-function variants are known to be pathogenic. Please note: this variant was assessed in the context of healthy population screening.